The following is an entry in ClinVar:

NM_000301.5(PLG):c.345G>A (p.Met115Ile)

Gene: PLG (plasminogen; plus strand). Cytogenetic location: 6q26.
Variant type: single nucleotide variant.
Coding change: c.345G>A on transcript NM_000301.5 (MANE Select); coding-DNA position 345, G replaced by A.
Protein change: p.Met115Ile; replaces methionine 115 with isoleucine.
Molecular consequence: missense variant.
Genome position (GRCh38, 1-based): chr6:160,711,129, G>A. VCF-style: chr6-160711129-G-A. GRCh37 (hg19) VCF-style: chr6-161132161-G-A.
Other names: c.345G>A, p.Met115Ile (NM_001168338.1); short protein forms M115I.
Identifiers: ClinVar variation 4778421 (VCV004778421.1).

ClinVar aggregate classification (germline): Uncertain significance (1 of 4 stars; one submission).

Submission:

Labcorp Genetics (formerly Invitae), Labcorp
Classification: Uncertain significance. Last evaluated: 2025-06-24. Review status: criteria provided, single submitter. Criteria: Invitae Variant Classification Sherloc (09022015). Collection method: clinical testing. Allele origin: germline.
Comment: This sequence change replaces methionine, which is neutral and non-polar, with isoleucine, which is neutral and non-polar, at codon 115 of the PLG protein (p.Met115Ile). This variant is present in population databases (no rsID available, gnomAD 0.03%). This variant has not been reported in the literature in individuals affected with PLG-related conditions. Invitae Evidence Modeling of protein sequence and biophysical properties (such as structural, functional, and spatial information, amino acid conservation, physicochemical variation, residue mobility, and thermodynamic stability) indicates that this missense variant is not expected to disrupt PLG protein function with a negative predictive value of 95%. In summary, the available evidence is currently insufficient to determine the role of this variant in disease. Therefore, it has been classified as a Variant of Uncertain Significance.